The following is an entry in ClinVar:

ClinVar aggregate classification (germline): Uncertain significance (1 of 4 stars; one submission).

Conditions:
Osteocraniostenosis (GCLEB). Also called: OSTEOCRANIOSPLENIC SYNDROME; Osteocraniostenosis (Gracile Bone Dysplasia); HABRODYSPLASIA. Identifiers: Orphanet 2763, MedGen C1865639, MONDO:0011215, OMIM 602361.

Allele frequency attached by ClinVar (database versions not stated): gnomAD exomes below 0.00001.

Submission:

Baylor Genetics
Classification: Uncertain significance for Osteocraniostenosis. Last evaluated: 2018-02-14. Review status: criteria provided, single submitter. Criteria: ACMG Guidelines, 2015. Collection method: clinical testing. Allele origin: unknown. Affected: yes.
Comment: This variant was determined to be of uncertain significance according to ACMG Guidelines, 2015 [PMID:25741868].

NM_001312909.2(FAM111A):c.533C>T (p.Ser178Leu)

Gene: FAM111A (FAM111 trypsin like peptidase A; plus strand). Cytogenetic location: 11q12.1.
Variant type: single nucleotide variant.
Coding change: c.533C>T on transcript NM_001312909.2 (MANE Select); coding-DNA position 533, C replaced by T.
Protein change: p.Ser178Leu; replaces serine 178 with leucine.
Molecular consequence: missense variant.
Genome position (GRCh38, 1-based): chr11:59,152,201, C>T. VCF-style: chr11-59152201-C-T. GRCh37 (hg19) VCF-style: chr11-58919674-C-T.
Other names: c.533C>T, p.Ser178Leu (NM_001142519.3, NM_001142520.3, NM_001142521.3 and 29 more transcripts); short protein forms S178L.
Identifiers: ClinVar variation 1031326 (VCV001031326.1), dbSNP rs1861767271, ClinGen allele CA380774326.